The following is an entry in ClinVar:

NM_000746.6(CHRNA7):c.698A>G (p.Tyr233Cys)

Gene: CHRNA7 (cholinergic receptor nicotinic alpha 7 subunit). Cytogenetic location: 15q13.3.
Variant type: single nucleotide variant.
Coding change: c.698A>G on transcript NM_000746.6 (MANE Select); coding-DNA position 698, A replaced by G.
Protein change: p.Tyr233Cys; replaces tyrosine 233 with cysteine.
Molecular consequence: missense variant. On other transcripts: non-coding transcript variant (1).
Genome position (GRCh38, 1-based): chr15:32,158,511, A>G. VCF-style: chr15-32158511-A-G. GRCh37 (hg19) VCF-style: chr15-32450712-A-G.
Other names: c.785A>G, p.Tyr262Cys (NM_001190455.3); short protein forms Y233C, Y262C.
Identifiers: ClinVar variation 770242 (VCV000770242.6), dbSNP rs142728508, ClinGen allele CA7454280.

ClinVar aggregate classification (germline): Benign. Review status: criteria provided, multiple submitters, no conflicts (2 of 4 stars). 3 submissions from 3 submitters: Benign (3). Last evaluated 2018-07-14.

Allele frequency attached by ClinVar (database versions not stated): ESP Exome Variant Server 0.00185; gnomAD 0.00626 and 0.00752; ExAC 0.01327; gnomAD exomes 0.01460; 1000 Genomes Project 30x 0.03201.

Submissions (3):

GeneDx
Classification: Benign. Last evaluated: 2018-07-14. Review status: criteria provided, single submitter. Criteria: GeneDx Variant Classification Process June 2021. Collection method: clinical testing. Allele origin: germline. Affected: yes.
Comment: This variant is associated with the following publications: (PMID: 31453292, 26340537)

Labcorp Genetics (formerly Invitae), Labcorp
Classification: Benign. Last evaluated: 2017-05-24. Review status: criteria provided, single submitter. Criteria: Invitae Variant Classification Sherloc (09022015). Collection method: clinical testing. Allele origin: germline.

Breakthrough Genomics
Classification: Benign. Review status: criteria provided, single submitter. Criteria: ACMG Guidelines, 2015. Collection method: not provided. Allele origin: germline. Inheritance: Unknown mechanism. Affected: yes.